The following is an entry in ClinVar:

NM_153365.3(TAPT1):c.5C>A (p.Ala2Glu)

Gene: TAPT1 (transmembrane anterior posterior transformation 1; minus strand). Cytogenetic location: 4p15.32.
Variant type: single nucleotide variant.
Coding change: c.5C>A on transcript NM_153365.3 (MANE Select); coding-DNA position 5, C replaced by A.
Protein change: p.Ala2Glu; replaces alanine 2 with glutamic acid.
Molecular consequence: missense variant.
Genome position (GRCh38, 1-based): chr4:16,226,453, G>T on the plus strand (C>A on the coding strand, the complement: TAPT1 is on the minus strand). VCF-style: chr4-16226453-G-T. GRCh37 (hg19) VCF-style: chr4-16228076-G-T.
Other names: short protein forms A2E.
Identifiers: ClinVar variation 1967051 (VCV001967051.5), dbSNP rs1302327888, ClinGen allele CA356490772.

ClinVar aggregate classification (germline): Uncertain significance (1 of 4 stars; one submission).

gnomAD v4.1: 6 of 1,063,598 alleles (0.00056%); highest among the groups gnomAD compares: Non-Finnish European, 0.00068%; no homozygotes.

Submission:

Labcorp Genetics (formerly Invitae), Labcorp
Classification: Uncertain significance. Last evaluated: 2022-05-20. Review status: criteria provided, single submitter. Criteria: Invitae Variant Classification Sherloc (09022015). Collection method: clinical testing. Allele origin: germline.
Comment: In summary, the available evidence is currently insufficient to determine the role of this variant in disease. Therefore, it has been classified as a Variant of Uncertain Significance. Algorithms developed to predict the effect of missense changes on protein structure and function (SIFT, PolyPhen-2, Align-GVGD) all suggest that this variant is likely to be tolerated. This variant has not been reported in the literature in individuals affected with TAPT1-related conditions. The frequency data for this variant in the population databases is considered unreliable, as metrics indicate insufficient coverage at this position in the gnomAD database. This sequence change replaces alanine, which is neutral and non-polar, with glutamic acid, which is acidic and polar, at codon 2 of the TAPT1 protein (p.Ala2Glu).